The following is an entry in ClinVar:

ClinVar aggregate classification (germline): Uncertain significance (1 of 4 stars; one submission).

Conditions:
Perlman syndrome (PRLMNS). Identifiers: Orphanet 2849, MedGen C0796113, MONDO:0009965, OMIM 267000.

Submission:

Labcorp Genetics (formerly Invitae), Labcorp
Classification: Uncertain significance for Perlman syndrome. Last evaluated: 2024-05-06. Review status: criteria provided, single submitter. Criteria: Invitae Variant Classification Sherloc (09022015). Collection method: clinical testing. Allele origin: germline.
Comment: This sequence change replaces glycine, which is neutral and non-polar, with cysteine, which is neutral and slightly polar, at codon 877 of the DIS3L2 protein (p.Gly877Cys). This variant is not present in population databases (gnomAD no frequency). This variant has not been reported in the literature in individuals affected with DIS3L2-related conditions. ClinVar contains an entry for this variant (Variation ID: 949353). Experimental studies and prediction algorithms are not available or were not evaluated, and the functional significance of this variant is currently unknown. In summary, the available evidence is currently insufficient to determine the role of this variant in disease. Therefore, it has been classified as a Variant of Uncertain Significance.

NM_152383.5(DIS3L2):c.2629G>T (p.Gly877Cys)

Gene: DIS3L2 (DIS3 like 3'-5' exoribonuclease 2; plus strand). Cytogenetic location: 2q37.1.
Variant type: single nucleotide variant.
Coding change: c.2629G>T on transcript NM_152383.5 (MANE Select); coding-DNA position 2629, G replaced by T.
Protein change: p.Gly877Cys; replaces glycine 877 with cysteine.
Molecular consequence: missense variant. On other transcripts: non-coding transcript variant (2), intron variant (1).
Genome position (GRCh38, 1-based): chr2:232,336,601, G>T. VCF-style: chr2-232336601-G-T. GRCh37 (hg19) VCF-style: chr2-233201311-G-T.
Other names: c.1582-6744G>T (NM_001257281.2); short protein forms G877C.
Identifiers: ClinVar variation 949353 (VCV000949353.9), dbSNP rs765768186, ClinGen allele CA350979105.
Genomic context (GRCh38, chr2:232,336,601, plus strand): 5'-CTGAAGCGGCCAGGCACCCAGGGCCACCTGGGCCCTGAGAAGGAGGAGGAGGAGTCTGAC[G>T]GTGAGCCCGAGGACTCAAGCACCAGCTGAGCTCCACCAGCCGCCTGCCCCGCCTGCCCCG-3'
Protein context (NP_689596.4, residues 867-885): GPEKEEEESD[Gly877Cys]EPEDSSTS